The following is an entry in ClinVar:

NM_198525.3(KIF7):c.2441C>T (p.Ser814Leu)

Gene: KIF7 (kinesin family member 7; minus strand). Cytogenetic location: 15q26.1.
Variant type: single nucleotide variant.
Coding change: c.2441C>T on transcript NM_198525.3 (MANE Select); coding-DNA position 2441, C replaced by T.
Protein change: p.Ser814Leu; replaces serine 814 with leucine.
Molecular consequence: missense variant.
Genome position (GRCh38, 1-based): chr15:89,633,837, G>A on the plus strand (C>T on the coding strand, the complement: KIF7 is on the minus strand). VCF-style: chr15-89633837-G-A. GRCh37 (hg19) VCF-style: chr15-90177068-G-A.
Other names: c.2441C>T (NM_198525.2); short protein forms S814L.
Identifiers: ClinVar variation 2010216 (VCV002010216.5), dbSNP rs139642540, ClinGen allele CA7728153.

ClinVar aggregate classification (germline): Uncertain significance. Review status: criteria provided, multiple submitters, no conflicts (2 of 4 stars). 2 submissions from 2 submitters: Uncertain significance (2). Last evaluated 2025-08-08.

Conditions:
Inborn genetic diseases. Identifiers: MedGen C0950123, MeSH D030342.
Acrocallosal syndrome (ACLS). Also called: Schinzel syndrome 1; Absence of corpus callosum with unusual facial appearance, mental deficiency, duplication of the halluces and polydactyly; HALLUX DUPLICATION, POSTAXIAL POLYDACTYLY, AND ABSENCE OF CORPUS CALLOSUM. Identifiers: Orphanet 36, MedGen C0796147, MONDO:0008708, OMIM 200990.

Allele frequency attached by ClinVar (database versions not stated): gnomAD 0.00001; gnomAD exomes 0.00002; ExAC 0.00003; ESP Exome Variant Server 0.00008.

Submissions (2):

Ambry Genetics
Classification: Uncertain significance for Inborn genetic diseases. Last evaluated: 2025-08-08. Review status: criteria provided, single submitter. Criteria: Ambry Variant Classification Scheme 2023. Collection method: clinical testing. Allele origin: germline.

Labcorp Genetics (formerly Invitae), Labcorp
Classification: Uncertain significance for Acrocallosal syndrome. Last evaluated: 2023-08-04. Review status: criteria provided, single submitter. Criteria: Invitae Variant Classification Sherloc (09022015). Collection method: clinical testing. Allele origin: germline.
Comment: Advanced modeling of protein sequence and biophysical properties (such as structural, functional, and spatial information, amino acid conservation, physicochemical variation, residue mobility, and thermodynamic stability) has been performed at Invitae for this missense variant, however the output from this modeling did not meet the statistical confidence thresholds required to predict the impact of this variant on KIF7 protein function. In summary, the available evidence is currently insufficient to determine the role of this variant in disease. Therefore, it has been classified as a Variant of Uncertain Significance. ClinVar contains an entry for this variant (Variation ID: 2010216). This variant has not been reported in the literature in individuals affected with KIF7-related conditions. This variant is present in population databases (rs139642540, gnomAD 0.007%). This sequence change replaces serine, which is neutral and polar, with leucine, which is neutral and non-polar, at codon 814 of the KIF7 protein (p.Ser814Leu).